The following is an entry in ClinVar:

NM_000038.6(APC):c.5047G>A (p.Glu1683Lys)

Gene: APC (APC regulator of Wnt signaling pathway; plus strand). Cytogenetic location: 5q22.2.
Variant type: single nucleotide variant.
Coding change: c.5047G>A on transcript NM_000038.6 (MANE Select); coding-DNA position 5047, G replaced by A.
Protein change: p.Glu1683Lys; replaces glutamic acid 1683 with lysine.
Molecular consequence: missense variant.
Genome position (GRCh38, 1-based): chr5:112,840,641, G>A. VCF-style: chr5-112840641-G-A. GRCh37 (hg19) VCF-style: chr5-112176338-G-A.
Other names: c.5047G>A, p.Glu1683Lys (NM_001127510.3, NM_001354895.2); c.4993G>A, p.Glu1665Lys (NM_001127511.3); c.5101G>A, p.Glu1701Lys (NM_001354896.2); c.5077G>A, p.Glu1693Lys (NM_001354897.2); c.4972G>A, p.Glu1658Lys (NM_001354898.2); c.4963G>A, p.Glu1655Lys (NM_001354899.2); c.4924G>A, p.Glu1642Lys (NM_001354900.2); c.4870G>A, p.Glu1624Lys (NM_001354901.2); and 5 more; short protein forms E1557K, E1693K, E1701K, E1400K, E1523K, E1592K, E1655K, E1683K.
Identifiers: ClinVar variation 1388456 (VCV001388456.11), dbSNP rs2149930670, ClinGen allele CA16032366.

ClinVar aggregate classification (germline): Uncertain significance. Review status: criteria provided, multiple submitters, no conflicts (2 of 4 stars). 3 submissions from 3 submitters: Uncertain significance (3). Last evaluated 2024-08-06.

Conditions:
Classic or attenuated familial adenomatous polyposis. Identifiers: MedGen CN372698, MONDO:0021057.
Hereditary cancer-predisposing syndrome. Also called: Neoplastic Syndromes, Hereditary; Tumor predisposition; Hereditary neoplastic syndrome; Hereditary Cancer Syndrome. Identifiers: Orphanet 140162, MedGen C0027672, MeSH D009386, MONDO:0015356.
Familial adenomatous polyposis 1 (FAP1). Also called: FAMILIAL ADENOMATOUS POLYPOSIS 1, ATTENUATED; POLYPOSIS, ADENOMATOUS INTESTINAL. Identifiers: MedGen C2713442, MONDO:0021056, OMIM 175100. Disease mechanism: loss of function.

Submissions (3):

All of Us Research Program, National Institutes of Health
Classification: Uncertain significance for Classic or attenuated familial adenomatous polyposis. Last evaluated: 2024-08-06. Review status: criteria provided, single submitter. Criteria: ACMG Guidelines, 2015. Collection method: clinical testing. Allele origin: germline. Inheritance: Autosomal dominant inheritance. Observed: 1 variant allele, 1 heterozygote.
Comment: This study involves interpretation of variants in research participants for the purpose of population health screening. Participant phenotype was not available at the time of variant classification. Additional details can be found in publication PMID: 35346344, PMCID: PMC8962531

Ambry Genetics
Classification: Uncertain significance for Hereditary cancer-predisposing syndrome. Last evaluated: 2022-08-28. Review status: criteria provided, single submitter. Criteria: Ambry Variant Classification Scheme 2023. Collection method: clinical testing. Allele origin: germline.
Comment: The p.E1683K variant (also known as c.5047G>A), located in coding exon 15 of the APC gene, results from a G to A substitution at nucleotide position 5047. The glutamic acid at codon 1683 is replaced by lysine, an amino acid with similar properties. This amino acid position is conserved. In addition, in silico predictors for this gene do not accurately predict pathogenicity. Since supporting evidence is limited at this time, the clinical significance of this alteration remains unclear.

Labcorp Genetics (formerly Invitae), Labcorp
Classification: Uncertain significance for Familial adenomatous polyposis 1. Last evaluated: 2021-04-17. Review status: criteria provided, single submitter. Criteria: Invitae Variant Classification Sherloc (09022015). Collection method: clinical testing. Allele origin: germline.
Comment: This sequence change replaces glutamic acid with lysine at codon 1683 of the APC protein (p.Glu1683Lys). The glutamic acid residue is highly conserved and there is a small physicochemical difference between glutamic acid and lysine. This variant is not present in population databases (ExAC no frequency). This variant has not been reported in the literature in individuals with APC-related conditions. Algorithms developed to predict the effect of missense changes on protein structure and function (SIFT, PolyPhen-2, Align-GVGD) all suggest that this variant is likely to be tolerated, but these predictions have not been confirmed by published functional studies and their clinical significance is uncertain. In summary, the available evidence is currently insufficient to determine the role of this variant in disease. Therefore, it has been classified as a Variant of Uncertain Significance.